The following is an entry in ClinVar:

NM_016111.4(TELO2):c.2173G>A (p.Gly725Arg)

Gene: TELO2 (telomere maintenance 2; plus strand). Cytogenetic location: 16p13.3.
Variant type: single nucleotide variant.
Coding change: c.2173G>A on transcript NM_016111.4 (MANE Select); coding-DNA position 2173, G replaced by A.
Protein change: p.Gly725Arg; replaces glycine 725 with arginine.
Molecular consequence: missense variant.
Genome position (GRCh38, 1-based): chr16:1,506,998, G>A. VCF-style: chr16-1506998-G-A. GRCh37 (hg19) VCF-style: chr16-1556999-G-A.
Other names: c.2173G>A, p.Gly725Arg (NM_001351846.2); short protein forms G725R.
Identifiers: ClinVar variation 3600643 (VCV003600643.1).

ClinVar aggregate classification (germline): Uncertain significance (1 of 4 stars; one submission).

gnomAD v4.1: 1 of 1,612,214 alleles (0.000062%); highest among the groups gnomAD compares: Admixed American, 0.0017%; no homozygotes.

Submission:

GeneDx
Classification: Uncertain significance. Last evaluated: 2024-07-24. Review status: criteria provided, single submitter. Criteria: GeneDx Variant Classification Process June 2021. Collection method: clinical testing. Allele origin: germline. Affected: yes.
Comment: Not observed at significant frequency in large population cohorts (gnomAD); In silico analysis supports that this missense variant has a deleterious effect on protein structure/function; This variant is associated with the following publications: (PMID: 32709525)